The following is an entry in ClinVar:

ClinVar aggregate classification (germline): Uncertain significance. Review status: criteria provided, multiple submitters, no conflicts (2 of 4 stars). 2 submissions from 2 submitters: Uncertain significance (2). Last evaluated 2025-10-01.

Conditions:
Nephronophthisis. Also called: Juvenile Nephronophthisis. Identifiers: Orphanet 655, MedGen C0687120, MONDO:0019005, HP:0000090.
Joubert syndrome. Also called: Familial aplasia of the vermis; JOUBERT-BOLTSHAUSER SYNDROME. Identifiers: Orphanet 475, MedGen C5979921, MONDO:0018772.
Meckel-Gruber syndrome. Also called: Dysencephalia splachnocystica; DYSENCEPHALIA SPLANCHNOCYSTICA; GRUBER SYNDROME. Identifiers: Orphanet 564, MedGen C0265215, MONDO:0018921.
CEP290-related disorder. Also called: CEP290-related disorders; CEP290-related condition. Identifiers: MedGen CN239314.

Allele frequency attached by ClinVar (database versions not stated): gnomAD exomes below 0.00001; TOPMed 0.00002.
gnomAD v4.1: 1 of 1,585,866 alleles (0.000063%); highest among the groups gnomAD compares: African/African-American, 0.0013%; no homozygotes.

Submissions (2):

PreventionGenetics, part of Exact Sciences
Classification: Uncertain significance for CEP290-related condition. Last evaluated: 2025-10-01. Review status: criteria provided, single submitter. Criteria: ACMG Guidelines, 2015. Collection method: clinical testing. Allele origin: germline.
Comment: The CEP290 c.1648C>T variant is predicted to result in the amino acid substitution p.Leu550Phe. To our knowledge, this variant has not been reported in the literature or in a large population database (gnomAD), indicating this variant is rare. At this time, the clinical significance of this variant is uncertain due to the absence of conclusive functional and genetic evidence.

Labcorp Genetics (formerly Invitae), Labcorp
Classification: Uncertain significance for Joubert syndrome; Meckel-Gruber syndrome; Nephronophthisis. Last evaluated: 2021-09-02. Review status: criteria provided, single submitter. Criteria: Invitae Variant Classification Sherloc (09022015). Collection method: clinical testing. Allele origin: germline.
Comment: This sequence change replaces leucine with phenylalanine at codon 550 of the CEP290 protein (p.Leu550Phe). The leucine residue is moderately conserved and there is a small physicochemical difference between leucine and phenylalanine. This variant is not present in population databases (ExAC no frequency). This variant has not been reported in the literature in individuals affected with CEP290-related conditions. Algorithms developed to predict the effect of missense changes on protein structure and function are either unavailable or do not agree on the potential impact of this missense change (SIFT: "Tolerated"; PolyPhen-2: "Probably Damaging"; Align-GVGD: "Class C0"). In summary, the available evidence is currently insufficient to determine the role of this variant in disease. Therefore, it has been classified as a Variant of Uncertain Significance.

NM_025114.4(CEP290):c.1648C>T (p.Leu550Phe)

Gene: CEP290 (centrosomal protein 290; minus strand). Cytogenetic location: 12q21.32.
Variant type: single nucleotide variant.
Coding change: c.1648C>T on transcript NM_025114.4 (MANE Select); coding-DNA position 1648, C replaced by T.
Protein change: p.Leu550Phe; replaces leucine 550 with phenylalanine.
Molecular consequence: missense variant.
Genome position (GRCh38, 1-based): chr12:88,118,546, G>A on the plus strand (C>T on the coding strand, the complement: CEP290 is on the minus strand). VCF-style: chr12-88118546-G-A. GRCh37 (hg19) VCF-style: chr12-88512323-G-A.
Other names: c.1648C>T (NM_025114.3); short protein forms L550F.
Identifiers: ClinVar variation 1472938 (VCV001472938.4), dbSNP rs2039207431, ClinGen allele CA385978988.